The following is an entry in ClinVar:

ClinVar aggregate classification (germline): Uncertain significance (1 of 4 stars; one submission).

Allele frequency attached by ClinVar (database versions not stated): TOPMed 0.00001.
gnomAD v4.1: 18 of 1,614,226 alleles (0.0011%); highest among the groups gnomAD compares: Middle Eastern, 0.066%; no homozygotes.

Submission:

Labcorp Genetics (formerly Invitae), Labcorp
Classification: Uncertain significance. Last evaluated: 2024-01-02. Review status: criteria provided, single submitter. Criteria: Invitae Variant Classification Sherloc (09022015). Collection method: clinical testing. Allele origin: germline.
Comment: This sequence change replaces glycine, which is neutral and non-polar, with valine, which is neutral and non-polar, at codon 26 of the NDUFAF7 protein (p.Gly26Val). This variant is not present in population databases (gnomAD no frequency). This variant has not been reported in the literature in individuals affected with NDUFAF7-related conditions. Algorithms developed to predict the effect of missense changes on protein structure and function output the following: SIFT: "Not Available"; PolyPhen-2: "Probably Damaging"; Align-GVGD: "Not Available". The valine amino acid residue is found in multiple mammalian species, which suggests that this missense change does not adversely affect protein function. In summary, the available evidence is currently insufficient to determine the role of this variant in disease. Therefore, it has been classified as a Variant of Uncertain Significance.

NM_144736.5(NDUFAF7):c.77G>T (p.Gly26Val)

Genes: NDUFAF7 (NADH:ubiquinone oxidoreductase complex assembly factor 7; plus strand), LOC126806192 (CDK7 strongly-dependent group 2 enhancer GRCh37_chr2:37458084-37459283; plus strand). Cytogenetic location: 2p22.2.
Variant type: single nucleotide variant.
Coding change: c.77G>T on transcript NM_144736.5 (MANE Select); coding-DNA position 77, G replaced by T.
Protein change: p.Gly26Val; replaces glycine 26 with valine.
Molecular consequence: missense variant. On other transcripts: non-coding transcript variant (10).
Genome position (GRCh38, 1-based): chr2:37,232,127, G>T. VCF-style: chr2-37232127-G-T. GRCh37 (hg19) VCF-style: chr2-37459270-G-T.
Other names: c.77G>T, p.Gly26Val (NM_001083946.2, NM_001350024.2, NM_001350025.2 and 1 more transcripts); short protein forms G26V.
Identifiers: ClinVar variation 2886365 (VCV002886365.3), dbSNP rs1558484354, ClinGen allele CA346301353.